The following is an entry in ClinVar:

ClinVar aggregate classification (germline): Conflicting classifications of pathogenicity. Review status: criteria provided, conflicting classifications (1 of 4 stars). 3 submissions from 3 submitters: Uncertain significance (2); Likely benign (1). Last evaluated 2023-10-01.

Conditions:
Retinal dystrophy. Also called: Inherited retinal dystrophy. Identifiers: Orphanet 71862, MedGen C0854723, MeSH D058499, MONDO:0019118, HP:0000556.
Inborn genetic diseases. Identifiers: MedGen C0950123, MeSH D030342.

Allele frequency attached by ClinVar (database versions not stated): gnomAD 0.00001; TOPMed 0.00001; ExAC 0.00005.
gnomAD v4.1: 32 of 1,549,596 alleles (0.0021%); highest among the groups gnomAD compares: Middle Eastern, 0.055%; no homozygotes.

Submissions (3):

Dept Of Ophthalmology, Nagoya University
Classification: Uncertain significance for Retinal dystrophy. Last evaluated: 2023-10-01. Review status: criteria provided, single submitter. Criteria: Submitter's publication. Collection method: research. Allele origin: germline. Affected: yes.

Ambry Genetics
Classification: Likely benign for Inborn genetic diseases. Last evaluated: 2023-02-22. Review status: criteria provided, single submitter. Criteria: Ambry Variant Classification Scheme 2023. Collection method: clinical testing. Allele origin: germline.

Labcorp Genetics (formerly Invitae), Labcorp
Classification: Uncertain significance. Last evaluated: 2022-09-06. Review status: criteria provided, single submitter. Criteria: Invitae Variant Classification Sherloc (09022015). Collection method: clinical testing. Allele origin: germline.
Comment: This sequence change replaces alanine, which is neutral and non-polar, with valine, which is neutral and non-polar, at codon 195 of the CNGB1 protein (p.Ala195Val). The frequency data for this variant in the population databases is considered unreliable, as metrics indicate poor data quality at this position in the gnomAD database. This variant has not been reported in the literature in individuals affected with CNGB1-related conditions. ClinVar contains an entry for this variant (Variation ID: 1023248). Algorithms developed to predict the effect of missense changes on protein structure and function output the following: SIFT: "Tolerated"; PolyPhen-2: "Benign"; Align-GVGD: "Class C0". The valine amino acid residue is found in multiple mammalian species, which suggests that this missense change does not adversely affect protein function. In summary, the available evidence is currently insufficient to determine the role of this variant in disease. Therefore, it has been classified as a Variant of Uncertain Significance.

NM_001297.5(CNGB1):c.584C>T (p.Ala195Val)

Gene: CNGB1 (cyclic nucleotide gated channel subunit beta 1; minus strand). Cytogenetic location: 16q21.
Variant type: single nucleotide variant.
Coding change: c.584C>T on transcript NM_001297.5 (MANE Select); coding-DNA position 584, C replaced by T.
Protein change: p.Ala195Val; replaces alanine 195 with valine.
Molecular consequence: missense variant.
Genome position (GRCh38, 1-based): chr16:57,960,065, G>A on the plus strand (C>T on the coding strand, the complement: CNGB1 is on the minus strand). VCF-style: chr16-57960065-G-A. GRCh37 (hg19) VCF-style: chr16-57993969-G-A.
Other names: c.584C>T, p.Ala195Val (NM_001135639.2); c.566C>T, p.Ala189Val (NM_001286130.2); c.584C>T (NM_001297.4); short protein forms A189V, A195V.
Identifiers: ClinVar variation 1023248 (VCV001023248.6), dbSNP rs780237166, ClinGen allele CA8083740.